The following is an entry in ClinVar:

NM_003482.4(KMT2D):c.2557C>T (p.Pro853Ser)

Gene: KMT2D (lysine methyltransferase 2D; minus strand). Cytogenetic location: 12q13.12.
Variant type: single nucleotide variant.
Coding change: c.2557C>T on transcript NM_003482.4 (MANE Select); coding-DNA position 2557, C replaced by T.
Protein change: p.Pro853Ser; replaces proline 853 with serine.
Molecular consequence: missense variant.
Genome position (GRCh38, 1-based): chr12:49,051,126, G>A on the plus strand (C>T on the coding strand, the complement: KMT2D is on the minus strand). VCF-style: chr12-49051126-G-A. GRCh37 (hg19) VCF-style: chr12-49444909-G-A.
Other names: short protein forms P853S.
Identifiers: ClinVar variation 2626962 (VCV002626962.4), dbSNP rs2120663656, ClinGen allele CA384665558.
Genomic context (GRCh38, chr12:49,051,126, plus strand): 5'-GGCCTGGCTCCTCAGGGGGCTTTTCAGGCCGAGGGGACAGGGGTGGCTTCTCAAGCTCAG[G>A]GGACAGATGCGATTCCTCAGGCCGGGGGGACAGGCATGGCTCCTCAGACTGGGGGGACAG-3'
Protein context (NP_003473.3, residues 843-863): SPRPEESHLS[Pro853Ser]ELEKPPLSPR

ClinVar aggregate classification (germline): Uncertain significance. Review status: criteria provided, multiple submitters, no conflicts (2 of 4 stars). 2 submissions from 2 submitters: Uncertain significance (2). Last evaluated 2023-09-25.

Conditions:
Kabuki syndrome. Also called: Kabuki make-up syndrome; NIIKAWA-KUROKI SYNDROME. Identifiers: Orphanet 2322, MedGen C0796004, MONDO:0016512.

Allele frequency attached by ClinVar (database versions not stated): gnomAD exomes below 0.00001.

Submissions (2):

Greenwood Genetic Center Diagnostic Laboratories, Greenwood Genetic Center
Classification: Uncertain significance. Last evaluated: 2023-09-25. Review status: criteria provided, single submitter. Criteria: ACMG Guidelines, 2015. Collection method: clinical testing. Allele origin: germline. Affected: yes.
Comment: PM2, BP4, PP2

Labcorp Genetics (formerly Invitae), Labcorp
Classification: Uncertain significance for Kabuki syndrome. Last evaluated: 2023-03-31. Review status: criteria provided, single submitter. Criteria: Invitae Variant Classification Sherloc (09022015). Collection method: clinical testing. Allele origin: germline.
Comment: In summary, the available evidence is currently insufficient to determine the role of this variant in disease. Therefore, it has been classified as a Variant of Uncertain Significance. Advanced modeling of protein sequence and biophysical properties (such as structural, functional, and spatial information, amino acid conservation, physicochemical variation, residue mobility, and thermodynamic stability) performed at Invitae indicates that this missense variant is not expected to disrupt KMT2D protein function. This variant has not been reported in the literature in individuals affected with KMT2D-related conditions. This variant is not present in population databases (gnomAD no frequency). This sequence change replaces proline, which is neutral and non-polar, with serine, which is neutral and polar, at codon 853 of the KMT2D protein (p.Pro853Ser).